The following is an entry in ClinVar:

NM_058174.3(COL6A2):c.2643C>G (p.Ala881=)

Gene: COL6A2 (collagen type VI alpha 2 chain; plus strand). Cytogenetic location: 21q22.3.
Variant type: single nucleotide variant.
Coding change: c.2643C>G on transcript NM_058174.3 (MANE Plus Clinical); coding-DNA position 2643, C replaced by G.
Protein change: p.Ala881=; no amino-acid change (alanine 881 retained).
Molecular consequence: synonymous variant. On other transcripts: 3 prime UTR variant (1), intron variant (1).
Genome position (GRCh38, 1-based): chr21:46,129,377, C>G. VCF-style: chr21-46129377-C-G. GRCh37 (hg19) VCF-style: chr21-47549291-C-G.
Other names: c.*449C>G (NM_058175.3); c.2462-2577C>G (NM_001849.4).
Identifiers: ClinVar variation 3034629 (VCV003034629.2), dbSNP rs896203594, ClinGen allele CA2654974656.

ClinVar aggregate classification (germline): Likely benign (0 of 4 stars; one submission).

Conditions:
COL6A2-related disorder.

Allele frequency attached by ClinVar (database versions not stated): gnomAD exomes below 0.00001.
gnomAD v4.1: 4 of 1,613,006 alleles (0.00025%); highest among the groups gnomAD compares: Non-Finnish European, 0.00034%; no homozygotes.

Submission:

PreventionGenetics, part of Exact Sciences
Classification: Likely benign for COL6A2-related condition. Last evaluated: 2019-08-09. Review status: no assertion criteria provided. Collection method: clinical testing. Allele origin: germline.
Comment: This variant is classified as likely benign based on ACMG/AMP sequence variant interpretation guidelines (Richards et al. 2015 PMID: 25741868, with internal and published modifications).